The following is an entry in ClinVar:

ClinVar aggregate classification (germline): Likely benign. Review status: criteria provided, multiple submitters, no conflicts (2 of 4 stars). 2 submissions from 2 submitters: Likely benign (2). Last evaluated 2026-01-31.

Conditions:
Tuberous sclerosis 2 (TSC2). Identifiers: Orphanet 805, MedGen C1860707, MONDO:0013199, OMIM 613254.

Allele frequency attached by ClinVar (database versions not stated): gnomAD 0.00001 and 0.00002; TOPMed 0.00002; gnomAD exomes 0.00003.

Submissions (2):

Labcorp Genetics (formerly Invitae), Labcorp
Classification: Likely benign for Tuberous sclerosis 2. Last evaluated: 2026-01-31. Review status: criteria provided, single submitter. Criteria: Invitae Variant Classification Sherloc (09022015). Collection method: clinical testing. Allele origin: germline.

GeneDx
Classification: Likely benign. Last evaluated: 2017-06-13. Review status: criteria provided, single submitter. Criteria: GeneDx Variant Classification (06012015). Collection method: clinical testing. Allele origin: germline. Affected: yes.
Comment: This variant is considered likely benign or benign based on one or more of the following criteria: it is a conservative change, it occurs at a poorly conserved position in the protein, it is predicted to be benign by multiple in silico algorithms, and/or has population frequency not consistent with disease.

NM_000548.5(TSC2):c.848+19G>A

Gene: TSC2 (TSC complex subunit 2; plus strand). Cytogenetic location: 16p13.3.
Variant type: single nucleotide variant.
Coding change: c.848+19G>A on transcript NM_000548.5 (MANE Select); 19 bases into the intron after coding-DNA position 848, G replaced by A.
Molecular consequence: intron variant.
Genome position (GRCh38, 1-based): chr16:2,057,197, G>A. VCF-style: chr16-2057197-G-A. GRCh37 (hg19) VCF-style: chr16-2107198-G-A.
Other names: c.848+19G>A (NM_001114382.3, NM_021055.3, NM_001370405.1 and 3 more transcripts); c.737+19G>A (NM_001318827.2); c.248+19G>A (NM_001318831.2); c.701+19G>A (NM_001318829.2); c.881+19G>A (NM_001318832.2).
Identifiers: ClinVar variation 517981 (VCV000517981.8), dbSNP rs1044793633, ClinGen allele CA276774990.
Genomic context (GRCh38, chr16:2,057,197, plus strand): 5'-CCACAGCGCCATCTACAACATGTGCCACCTCATGGAGGACAGGTGAGTGTGGTGGGTGGG[G>A]CGCAGGGCAGTGGAGGCCAGCACAGCCCTCGGGGCAGCTCCAGTGTCCCTTGCCAAGCAC-3'